The following is an entry in ClinVar:

ClinVar aggregate classification (germline): Uncertain significance. Review status: criteria provided, multiple submitters, no conflicts (2 of 4 stars). 2 submissions from 2 submitters: Uncertain significance (2). Last evaluated 2021-08-26.

Conditions:
Progressive myoclonic epilepsy. Also called: Familial progressive myoclonic epilepsy; Progressive myoclonus epilepsy; Myoclonus epilepsy; Myoclonic Epilepsies, Progressive. Identifiers: Orphanet 308, Orphanet 98261, MedGen C0751778, MONDO:0020074.

Allele frequency attached by ClinVar (database versions not stated): gnomAD 0.00001; gnomAD exomes 0.00001; ExAC 0.00002; TOPMed 0.00002; ESP Exome Variant Server 0.00015.
gnomAD v4.1: 7 of 1,614,014 alleles (0.00043%); highest among the groups gnomAD compares: Middle Eastern, 0.016%; no homozygotes.

Submissions (2):

Labcorp Genetics (formerly Invitae), Labcorp
Classification: Uncertain significance for Progressive myoclonic epilepsy. Last evaluated: 2021-08-26. Review status: criteria provided, single submitter. Criteria: Invitae Variant Classification Sherloc (09022015). Collection method: clinical testing. Allele origin: germline.
Comment: This sequence change replaces glutamine with histidine at codon 200 of the EPM2A protein (p.Gln200His). The glutamine residue is highly conserved and there is a small physicochemical difference between glutamine and histidine. This variant is present in population databases (rs142658692, ExAC 0.003%). This variant has not been reported in the literature in individuals affected with EPM2A-related conditions. ClinVar contains an entry for this variant (Variation ID: 196414). Algorithms developed to predict the effect of missense changes on protein structure and function are either unavailable or do not agree on the potential impact of this missense change (SIFT: "Deleterious"; PolyPhen-2: "Benign"; Align-GVGD: "Class C0"). In summary, the available evidence is currently insufficient to determine the role of this variant in disease. Therefore, it has been classified as a Variant of Uncertain Significance.

Eurofins Ntd Llc (ga)
Classification: Uncertain significance. Last evaluated: 2014-12-02. Review status: criteria provided, single submitter. Criteria: EGL Classification Definitions 2015. Collection method: clinical testing. Allele origin: germline. Observed: 1 variant allele, 1 heterozygote.

NM_005670.4(EPM2A):c.600G>T (p.Gln200His)

Gene: EPM2A (EPM2A glucan phosphatase, laforin; minus strand). Cytogenetic location: 6q24.3.
Variant type: single nucleotide variant.
Coding change: c.600G>T on transcript NM_005670.4 (MANE Select); coding-DNA position 600, G replaced by T.
Protein change: p.Gln200His; replaces glutamine 200 with histidine.
Molecular consequence: missense variant. On other transcripts: intron variant (1).
Genome position (GRCh38, 1-based): chr6:145,635,363, C>A on the plus strand (G>T on the coding strand, the complement: EPM2A is on the minus strand). VCF-style: chr6-145635363-C-A. GRCh37 (hg19) VCF-style: chr6-145956499-C-A.
Other names: c.600G>T, p.Gln200His (NM_001018041.2, NM_001368130.1); c.186G>T, p.Gln62His (NM_001360064.2, NM_001360071.2, NM_001368131.1); c.138G>T, p.Gln46His (NM_001368129.2, NM_001368132.1); c.477-7670G>T (NM_001360057.2); short protein forms Q200H, Q46H, Q62H.
Identifiers: ClinVar variation 196414 (VCV000196414.9), dbSNP rs142658692, ClinGen allele CA243363.